The following is an entry in ClinVar:

ClinVar aggregate classification (germline): Uncertain significance (1 of 4 stars; one submission).

Submission:

Ambry Genetics
Classification: Uncertain significance. Last evaluated: 2022-08-17. Review status: criteria provided, single submitter. Criteria: Ambry Variant Classification Scheme 2023. Collection method: clinical testing. Allele origin: germline.
Comment: The p.R1606S variant (also known as c.4818G>C), located in coding exon 37 of the PRKDC gene, results from a G to C substitution at nucleotide position 4818. The arginine at codon 1606 is replaced by serine, an amino acid with dissimilar properties. This amino acid position is conserved. In addition, this alteration is predicted to be tolerated by in silico analysis. Since supporting evidence is limited at this time, the clinical significance of this alteration remains unclear.

NM_006904.7(PRKDC):c.4818G>C (p.Arg1606Ser)

Gene: PRKDC (protein kinase, DNA-activated, catalytic subunit; minus strand). Cytogenetic location: 8q11.21.
Variant type: single nucleotide variant.
Coding change: c.4818G>C on transcript NM_006904.7 (MANE Select); coding-DNA position 4818, G replaced by C.
Protein change: p.Arg1606Ser; replaces arginine 1606 with serine.
Molecular consequence: missense variant.
Genome position (GRCh38, 1-based): chr8:47,882,056, C>G on the plus strand (G>C on the coding strand, the complement: PRKDC is on the minus strand). VCF-style: chr8-47882056-C-G. GRCh37 (hg19) VCF-style: chr8-48794617-C-G.
Other names: c.4818G>C, p.Arg1606Ser (NM_001081640.2); short protein forms R1606S.
Identifiers: ClinVar variation 1743330 (VCV001743330.2), dbSNP rs2551872727, ClinGen allele CA371142142.